The following is an entry in ClinVar:

NM_006904.7(PRKDC):c.388C>T (p.Leu130Phe)

Gene: PRKDC (protein kinase, DNA-activated, catalytic subunit; minus strand). Cytogenetic location: 8q11.21.
Variant type: single nucleotide variant.
Coding change: c.388C>T on transcript NM_006904.7 (MANE Select); coding-DNA position 388, C replaced by T.
Protein change: p.Leu130Phe; replaces leucine 130 with phenylalanine.
Molecular consequence: missense variant.
Genome position (GRCh38, 1-based): chr8:47,955,885, G>A on the plus strand (C>T on the coding strand, the complement: PRKDC is on the minus strand). VCF-style: chr8-47955885-G-A. GRCh37 (hg19) VCF-style: chr8-48868445-G-A.
Other names: c.388C>T, p.Leu130Phe (NM_001081640.2); short protein forms L130F.
Identifiers: ClinVar variation 3225851 (VCV003225851.1), dbSNP rs780536289, ClinGen allele CA371140206.

ClinVar aggregate classification (germline): Uncertain significance (1 of 4 stars; one submission).

Submission:

Ambry Genetics
Classification: Uncertain significance. Last evaluated: 2023-09-18. Review status: criteria provided, single submitter. Criteria: Ambry Variant Classification Scheme 2023. Collection method: clinical testing. Allele origin: germline.
Comment: The p.L130F variant (also known as c.388C>T), located in coding exon 4 of the PRKDC gene, results from a C to T substitution at nucleotide position 388. The leucine at codon 130 is replaced by phenylalanine, an amino acid with highly similar properties. This amino acid position is conserved. In addition, the in silico prediction for this alteration is inconclusive. Since supporting evidence is limited at this time, the clinical significance of this alteration remains unclear.